The following is an entry in ClinVar:

NM_017852.5(NLRP2):c.1392G>C (p.Val464=)

Gene: NLRP2 (NLR family pyrin domain containing 2; plus strand). Cytogenetic location: 19q13.42.
Variant type: single nucleotide variant.
Coding change: c.1392G>C on transcript NM_017852.5 (MANE Select); coding-DNA position 1392, G replaced by C.
Protein change: p.Val464=; no amino-acid change (valine 464 retained).
Molecular consequence: synonymous variant. On other transcripts: non-coding transcript variant (1).
Genome position (GRCh38, 1-based): chr19:54,983,090, G>C. VCF-style: chr19-54983090-G-C. GRCh37 (hg19) VCF-style: chr19-55494458-G-C.
Other names: c.1392G>C, p.Val464= (NM_001174081.3); c.1326G>C, p.Val442= (NM_001174082.3); c.1323G>C, p.Val441= (NM_001174083.2); c.1383G>C, p.Val461= (NM_001348003.2).
Identifiers: ClinVar variation 3036513 (VCV003036513.2), dbSNP rs1462779624, ClinGen allele CA883732821.

ClinVar aggregate classification (germline): Likely benign (0 of 4 stars; one submission).

Conditions:
NLRP2-related disorder. Also called: NLRP2-related condition.

Allele frequency attached by ClinVar (database versions not stated): gnomAD 0.00001; TOPMed 0.00001.
gnomAD v4.1: 4 of 1,613,130 alleles (0.00025%); highest among the groups gnomAD compares: Non-Finnish European, 0.00034%; no homozygotes.

Submission:

PreventionGenetics, part of Exact Sciences
Classification: Likely benign for NLRP2-related condition. Last evaluated: 2022-11-07. Review status: no assertion criteria provided. Collection method: clinical testing. Allele origin: germline.
Comment: This variant is classified as likely benign based on ACMG/AMP sequence variant interpretation guidelines (Richards et al. 2015 PMID: 25741868, with internal and published modifications).